The following is an entry in ClinVar:

ClinVar aggregate classification (germline): Conflicting classifications of pathogenicity. Review status: criteria provided, conflicting classifications (1 of 4 stars). 2 submissions from 2 submitters: Pathogenic (1); Uncertain significance (1). Last evaluated 2023-10-15.

Conditions:
Dystonia 12 (DYT12). Also called: DYT-ATP1A3; Rapid-Onset Dystonia-Parkinsonism (RDP). Identifiers: Orphanet 71517, MedGen C1868681, MONDO:0007496, OMIM 128235.

Submissions (2):

GeneDx
Classification: Uncertain significance. Last evaluated: 2023-10-15. Review status: criteria provided, single submitter. Criteria: GeneDx Variant Classification Process June 2021. Collection method: clinical testing. Allele origin: germline. Affected: yes.
Comment: Not observed at significant frequency in large population cohorts (gnomAD); Nonsense variant predicted to result in protein truncation or nonsense mediated decay in a gene or region of a gene for which loss of function is not a well-established mechanism of disease; Has not been previously published as pathogenic or benign to our knowledge

Labcorp Genetics (formerly Invitae), Labcorp
Classification: Pathogenic for Dystonia 12. Last evaluated: 2023-08-17. Review status: criteria provided, single submitter. Criteria: Invitae Variant Classification Sherloc (09022015). Collection method: clinical testing. Allele origin: germline.
Comment: This sequence change creates a premature translational stop signal (p.Cys653*) in the ATP1A3 gene. It is expected to result in an absent or disrupted protein product. Loss-of-function variants in ATP1A3 are known to be pathogenic (PMID: 24983657, 24631656). For these reasons, this variant has been classified as Pathogenic. ClinVar contains an entry for this variant (Variation ID: 1434538). This variant has not been reported in the literature in individuals affected with ATP1A3-related conditions. This variant is not present in population databases (gnomAD no frequency).

Literature cited by the submitters: PubMed 24983657 (cited by Labcorp Genetics (formerly Invitae), Labcorp); PubMed 24631656 (cited by Labcorp Genetics (formerly Invitae), Labcorp).

NM_152296.5(ATP1A3):c.1959C>A (p.Cys653Ter)

Gene: ATP1A3 (ATPase Na+/K+ transporting subunit alpha 3; minus strand). Cytogenetic location: 19q13.2.
Variant type: single nucleotide variant.
Coding change: c.1959C>A on transcript NM_152296.5 (MANE Select); coding-DNA position 1959, C replaced by A.
Protein change: p.Cys653Ter; replaces cysteine 653 with a stop codon.
Molecular consequence: nonsense.
Genome position (GRCh38, 1-based): chr19:41,976,551, G>T on the plus strand (C>A on the coding strand, the complement: ATP1A3 is on the minus strand). VCF-style: chr19-41976551-G-T. GRCh37 (hg19) VCF-style: chr19-42480703-G-T.
Other names: c.1992C>A, p.Cys664Ter (NM_001256213.2); c.1998C>A, p.Cys666Ter (NM_001256214.2); c.1959C>A (NM_152296.4); short protein forms C664*, C653*, C666*.
Identifiers: ClinVar variation 1434538 (VCV001434538.7), dbSNP rs782105093, ClinGen allele CA406043575.